The following is an entry in ClinVar:

ClinVar aggregate classification (germline): Uncertain significance. Review status: criteria provided, multiple submitters, no conflicts (2 of 4 stars). 3 submissions from 3 submitters: Uncertain significance (3). Last evaluated 2025-01-13.

Conditions:
Inborn genetic diseases. Identifiers: MedGen C0950123, MeSH D030342.
Osteogenesis imperfecta type 7 (OI7). Also called: OSTEOGENESIS IMPERFECTA, TYPE IIB; Osteogenesis imperfecta type 2B; OI type 2B; Osteogenesis imperfecta, perinatal lethal autosomal recessive; OI type IIB; OI type 7. Identifiers: MedGen C1853162, MONDO:0012536, OMIM 610682.

Allele frequency attached by ClinVar (database versions not stated): TOPMed 0.00008; gnomAD 0.00012; ExAC 0.00025.
gnomAD v4.1: 184 of 1,586,990 alleles (0.012%); highest among the groups gnomAD compares: Non-Finnish European, 0.013%; no homozygotes.

Submissions (3):

Labcorp Genetics (formerly Invitae), Labcorp
Classification: Uncertain significance for Osteogenesis imperfecta type 7. Last evaluated: 2025-01-13. Review status: criteria provided, single submitter. Criteria: Invitae Variant Classification Sherloc (09022015). Collection method: clinical testing. Allele origin: germline.
Comment: This sequence change replaces glutamic acid, which is acidic and polar, with glutamine, which is neutral and polar, at codon 29 of the CRTAP protein (p.Glu29Gln). This variant is present in population databases (rs766784647, gnomAD 0.04%). This variant has not been reported in the literature in individuals affected with CRTAP-related conditions. ClinVar contains an entry for this variant (Variation ID: 639500). An algorithm developed to predict the effect of missense changes on protein structure and function (PolyPhen-2) suggests that this variant is likely to be disruptive. In summary, the available evidence is currently insufficient to determine the role of this variant in disease. Therefore, it has been classified as a Variant of Uncertain Significance.

GeneDx
Classification: Uncertain significance. Last evaluated: 2024-10-21. Review status: criteria provided, single submitter. Criteria: GeneDx Variant Classification Process June 2021. Collection method: clinical testing. Allele origin: germline. Affected: yes.
Comment: In silico analysis indicates that this missense variant does not alter protein structure/function; Has not been previously published as pathogenic or benign to our knowledge

Ambry Genetics
Classification: Uncertain significance for Inborn genetic diseases. Last evaluated: 2024-05-21. Review status: criteria provided, single submitter. Criteria: Ambry Variant Classification Scheme 2023. Collection method: clinical testing. Allele origin: germline.

NM_006371.5(CRTAP):c.85G>C (p.Glu29Gln)

Gene: CRTAP (cartilage associated protein; plus strand). Cytogenetic location: 3p22.3.
Variant type: single nucleotide variant.
Coding change: c.85G>C on transcript NM_006371.5 (MANE Select); coding-DNA position 85, G replaced by C.
Protein change: p.Glu29Gln; replaces glutamic acid 29 with glutamine.
Molecular consequence: missense variant.
Genome position (GRCh38, 1-based): chr3:33,114,162, G>C. VCF-style: chr3-33114162-G-C. GRCh37 (hg19) VCF-style: chr3-33155654-G-C.
Other names: c.85G>C, p.Glu29Gln (NM_001393363.1, NM_001393364.1, NM_001393365.1); short protein forms E29Q.
Identifiers: ClinVar variation 639500 (VCV000639500.7), dbSNP rs766784647, ClinGen allele CA2300188.